The following is an entry in ClinVar:

ClinVar aggregate classification (germline): Conflicting classifications of pathogenicity. Review status: criteria provided, conflicting classifications (1 of 4 stars). 4 submissions from 4 submitters: Uncertain significance (2); Likely benign (2). Last evaluated 2026-02-01.

Conditions:
Malignant hyperthermia, susceptibility to, 1 (MHS1). Also called: Malignant hyperthermia suceptibility 1; RYR1-Related Malignant Hyperthermia Susceptibility; Anesthesia related hyperthermia; Malignant hyperpyrexia; Fulminating hyperpyrexia; Pharmacogenic myopathy. Identifiers: Orphanet 423, MedGen C2930980, MONDO:0007783, OMIM 145600.
Congenital myopathy with fiber type disproportion. Also called: Congenital fiber-type disproportion; Congenital fiber-type disproportion myopathy. Identifiers: Orphanet 2020, MedGen C0546264, MONDO:0009711. Inheritance: all.
Central core myopathy (CMYO1A). Also called: CONGENITAL MYOPATHY 1A, AUTOSOMAL DOMINANT, WITH SUSCEPTIBILITY TO MALIGNANT HYPERTHERMIA; Central core disease; Myopathy, central fibrillar. Identifiers: Orphanet 597, MedGen C5830701, MONDO:0007294, OMIM 117000.
Congenital multicore myopathy with external ophthalmoplegia (CMYO1B). Also called: MULTIMINICORE DISEASE WITH EXTERNAL OPHTHALMOPLEGIA; MULTICORE MYOPATHY; Minicore myopathy with external ophthalmoplegia; Congenital myopathy 1B, autosomal recessive; Minicore myopathy. Identifiers: Orphanet 598, Orphanet 98905, MedGen C1850674, MONDO:0009712, OMIM 255320, HP:0003789.
King Denborough syndrome (KDS). Identifiers: MedGen C1840365, MONDO:0020485, OMIM 619542.
RYR1-related disorder. Also called: RYR1-related disorders; RYR1-related condition. Identifiers: MedGen CN239331.

Allele frequency attached by ClinVar (database versions not stated): ExAC 0.00006; gnomAD exomes 0.00006 and 0.00019; ESP Exome Variant Server 0.00008; gnomAD 0.00009; TOPMed 0.00012.
gnomAD v4.1: 314 of 1,613,864 alleles (0.019%); highest among the groups gnomAD compares: Non-Finnish European, 0.024%; no homozygotes.

Submissions (4):

Labcorp Genetics (formerly Invitae), Labcorp
Classification: Likely benign for RYR1-related disorder. Last evaluated: 2026-02-01. Review status: criteria provided, single submitter. Criteria: Invitae Variant Classification Sherloc (09022015). Collection method: clinical testing. Allele origin: germline.

Women's Health and Genetics/Laboratory Corporation of America, LabCorp
Classification: Uncertain significance. Last evaluated: 2025-05-01. Review status: criteria provided, single submitter. Criteria: LabCorp Variant Classification Summary - May 2015. Collection method: clinical testing. Allele origin: germline.
Comment: Variant summary: RYR1 c.10824+8G>A alters a nucleotide located at a position not widely known to affect splicing. Several computational tools predict a significant impact on normal splicing: Three predict the variant strengthens/creates a cryptic 5' donor site. However, these predictions have yet to be confirmed by functional studies. The variant allele was found at a frequency of 6e-05 in 250346 control chromosomes. This frequency is not significantly higher than estimated for a pathogenic variant in RYR1 causing Myopathy, RYR1-Associated, allowing no conclusion about variant significance. To our knowledge, no occurrence of c.10824+8G>A in individuals affected with Myopathy, RYR1-Associated and no experimental evidence demonstrating its impact on protein function have been reported. ClinVar contains an entry for this variant (Variation ID: 834318). Based on the evidence outlined above, the variant was classified as uncertain significance.

GeneDx
Classification: Likely benign. Last evaluated: 2024-03-01. Review status: criteria provided, single submitter. Criteria: GeneDx Variant Classification Process June 2021. Collection method: clinical testing. Allele origin: germline. Affected: yes.
Comment: See Variant Classification Assertion Criteria.

Fulgent Genetics
Classification: Uncertain significance for Central core myopathy; Malignant hyperthermia, susceptibility to, 1; Congenital myopathy 4A, autosomal dominant; Congenital multicore myopathy with external ophthalmoplegia; King Denborough syndrome. Last evaluated: 2021-09-14. Review status: criteria provided, single submitter. Criteria: ACMG Guidelines, 2015. Collection method: clinical testing. Allele origin: unknown.

NM_000540.3(RYR1):c.10824+8G>A

Gene: RYR1 (ryanodine receptor 1; plus strand). Cytogenetic location: 19q13.2.
Variant type: single nucleotide variant.
Coding change: c.10824+8G>A on transcript NM_000540.3 (MANE Select); 8 bases into the intron after coding-DNA position 10824, G replaced by A.
Molecular consequence: intron variant.
Genome position (GRCh38, 1-based): chr19:38,527,792, G>A. VCF-style: chr19-38527792-G-A. GRCh37 (hg19) VCF-style: chr19-39018432-G-A.
Other names: c.10809+8G>A (NM_001042723.2).
Identifiers: ClinVar variation 834318 (VCV000834318.11), dbSNP rs374325589, ClinGen allele CA054848.